The following is an entry in ClinVar:

NM_001303052.2(MYT1L):c.2689G>A (p.Ala897Thr)

Gene: MYT1L (myelin transcription factor 1 like; minus strand). Cytogenetic location: 2p25.3.
Variant type: single nucleotide variant.
Coding change: c.2689G>A on transcript NM_001303052.2 (MANE Select); coding-DNA position 2689, G replaced by A.
Protein change: p.Ala897Thr; replaces alanine 897 with threonine.
Molecular consequence: missense variant.
Genome position (GRCh38, 1-based): chr2:1,886,561, C>T on the plus strand (G>A on the coding strand, the complement: MYT1L is on the minus strand). VCF-style: chr2-1886561-C-T. GRCh37 (hg19) VCF-style: chr2-1890333-C-T.
Other names: c.2689G>A, p.Ala897Thr (NM_001329844.2, NM_001329845.1, NM_001329851.3); c.2683G>A, p.Ala895Thr (NM_001329846.3, NM_001329847.2, NM_001329848.1 and 3 more transcripts); short protein forms A895T, A897T.
Identifiers: ClinVar variation 1313910 (VCV001313910.2), dbSNP rs370121424, ClinGen allele CA1513973.

ClinVar aggregate classification (germline): Uncertain significance (1 of 4 stars; one submission).

Allele frequency attached by ClinVar (database versions not stated): gnomAD exomes below 0.00001 and 0.00001; gnomAD 0.00001; TOPMed 0.00001; ExAC 0.00002; ESP Exome Variant Server 0.00008.
gnomAD v4.1: 2 of 1,577,316 alleles (0.00013%); highest among the groups gnomAD compares: Non-Finnish European, 0.00017%; no homozygotes.

Submission:

GeneDx
Classification: Uncertain significance. Last evaluated: 2021-01-07. Review status: criteria provided, single submitter. Criteria: GeneDx Variant Classification Process June 2021. Collection method: clinical testing. Allele origin: germline. Affected: yes.
Comment: In silico analysis supports that this missense variant does not alter protein structure/function; Has not been previously published as pathogenic or benign to our knowledge